The following is an entry in ClinVar:

ClinVar aggregate classification (germline): Pathogenic (1 of 4 stars; one submission).

Allele frequency attached by ClinVar (database versions not stated): gnomAD exomes below 0.00001; ExAC 0.00001.
gnomAD v4.1: 1 of 1,609,974 alleles (0.000062%); highest among the groups gnomAD compares: Admixed American, 0.0017%; no homozygotes.

Submission:

Labcorp Genetics (formerly Invitae), Labcorp
Classification: Pathogenic. Last evaluated: 2025-04-21. Review status: criteria provided, single submitter. Criteria: Invitae Variant Classification Sherloc (09022015). Collection method: clinical testing. Allele origin: germline.
Comment: This sequence change creates a premature translational stop signal (p.Trp1304*) in the CEP250 gene. It is expected to result in an absent or disrupted protein product. Loss-of-function variants in CEP250 are known to be pathogenic (PMID: 24780881, 29718797). This variant is present in population databases (rs768511308, gnomAD 0.003%). This variant has not been reported in the literature in individuals affected with CEP250-related conditions. ClinVar contains an entry for this variant (Variation ID: 2110797). For these reasons, this variant has been classified as Pathogenic.

Literature cited by the submitters: PubMed 24780881; PubMed 29718797.

NM_007186.6(CEP250):c.3912G>A (p.Trp1304Ter)

Gene: CEP250 (centrosomal protein 250; plus strand). Cytogenetic location: 20q11.22.
Variant type: single nucleotide variant.
Coding change: c.3912G>A on transcript NM_007186.6 (MANE Select); coding-DNA position 3912, G replaced by A.
Protein change: p.Trp1304Ter; replaces tryptophan 1304 with a stop codon.
Molecular consequence: nonsense.
Genome position (GRCh38, 1-based): chr20:35,501,858, G>A. VCF-style: chr20-35501858-G-A. GRCh37 (hg19) VCF-style: chr20-34089685-G-A.
Other names: c.2016G>A, p.Trp672Ter (NM_001318219.1); short protein forms W1304*, W672*.
Identifiers: ClinVar variation 2110797 (VCV002110797.4), dbSNP rs768511308, ClinGen allele CA9833606.